The following is an entry in ClinVar:

NM_000719.7(CACNA1C):c.1703C>T (p.Thr568Met)

Gene: CACNA1C (calcium voltage-gated channel subunit alpha1 C; plus strand). Cytogenetic location: 12p13.33.
Variant type: single nucleotide variant.
Coding change: c.1703C>T on transcript NM_000719.7 (MANE Select); coding-DNA position 1703, C replaced by T.
Protein change: p.Thr568Met; replaces threonine 568 with methionine.
Molecular consequence: missense variant.
Genome position (GRCh38, 1-based): chr12:2,567,602, C>T. VCF-style: chr12-2567602-C-T. GRCh37 (hg19) VCF-style: chr12-2676768-C-T.
Other names: p.T568M:ACG>ATG; c.1703C>T, p.Thr568Met (NM_001129827.2, NM_001129829.2, NM_001129830.3 and 18 more transcripts); c.1694C>T, p.Thr565Met (NM_001129844.2); short protein forms T568M, T565M.
Identifiers: ClinVar variation 190644 (VCV000190644.8), dbSNP rs749561588, ClinGen allele CA301324.

ClinVar aggregate classification (germline): Uncertain significance. Review status: criteria provided, multiple submitters, no conflicts (2 of 4 stars). 3 submissions from 3 submitters: Uncertain significance (3). Last evaluated 2022-01-01.

Conditions:
Brugada syndrome 3 (BRGDA3). Identifiers: Orphanet 130, MedGen C2678478, MONDO:0012742, OMIM 611875.
Long QT syndrome 8. Identifiers: MedGen CN260585, MONDO:0032756, OMIM 618447.
Timothy syndrome (TS). Also called: LONG QT SYNDROME WITH SYNDACTYLY. Identifiers: Orphanet 65283, MedGen C1832916, MeSH C536962, MONDO:0010979, OMIM 601005.
Long QT syndrome (LQTS). Identifiers: MedGen C0023976, MeSH D008133, MONDO:0002442. Disease mechanism: loss of function. Inheritance: Various modes of inheritance.

Allele frequency attached by ClinVar (database versions not stated): gnomAD exomes below 0.00001 and 0.00001; gnomAD 0.00001; ExAC 0.00002.
gnomAD v4.1: 5 of 1,601,894 alleles (0.00031%); highest among the groups gnomAD compares: Admixed American, 0.0017%; no homozygotes.

Submissions (3):

Labcorp Genetics (formerly Invitae), Labcorp
Classification: Uncertain significance for Long QT syndrome. Last evaluated: 2022-01-01. Review status: criteria provided, single submitter. Criteria: Invitae Variant Classification Sherloc (09022015). Collection method: clinical testing. Allele origin: germline.
Comment: This sequence change replaces threonine, which is neutral and polar, with methionine, which is neutral and non-polar, at codon 568 of the CACNA1C protein (p.Thr568Met). In summary, the available evidence is currently insufficient to determine the role of this variant in disease. Therefore, it has been classified as a Variant of Uncertain Significance. Algorithms developed to predict the effect of missense changes on protein structure and function are either unavailable or do not agree on the potential impact of this missense change (SIFT: "Deleterious"; PolyPhen-2: "Probably Damaging"; Align-GVGD: "Class C0"). ClinVar contains an entry for this variant (Variation ID: 190644). This variant has not been reported in the literature in individuals affected with CACNA1C-related conditions. The frequency data for this variant in the population databases is considered unreliable, as metrics indicate poor data quality at this position in the gnomAD database.

Fulgent Genetics
Classification: Uncertain significance for Timothy syndrome; Brugada syndrome 3; Long QT syndrome 8. Last evaluated: 2021-08-20. Review status: criteria provided, single submitter. Criteria: ACMG Guidelines, 2015. Collection method: clinical testing. Allele origin: unknown.

GeneDx
Classification: Uncertain significance. Last evaluated: 2012-08-07. Review status: criteria provided, single submitter. Criteria: GeneDx Variant Classification (06012015). Collection method: clinical testing. Allele origin: germline. Affected: yes.
Comment: p.Thr568Met (ACG>ATG):c.1703 C>T in exon 13 of the CACNA1C gene (NM_000719.6). The Thr568Met variant in the CACNA1C gene has not been reported as a disease-causing mutation or as a benign polymorphism to our knowledge. Thr568Met results in a semi-conservative amino acid substitution of a polar Threonine residue with a non-polar Methionine residue at a position that is conserved across species. The NHLBI ESP Exome Variant Server reports Thr568Met was not observed in approximately 6,000 samples from individuals of European and African American backgrounds, indicating it is not a common benign variant in these populations. Nevertheless, no mutations in nearby codons have been reported in association with LQTS, indicating this region of the protein may be tolerant of change. With the clinical and molecular information available at this time, we cannot definitively determine if Thr568Met is a disease-causing mutation or a rare benign variant. The variant is found in LQT panel(s).